The following is an entry in ClinVar:

NM_000059.4(BRCA2):c.6155C>G (p.Ser2052Ter)

Gene: BRCA2 (BRCA2 DNA repair associated; plus strand). Cytogenetic location: 13q13.1.
Variant type: single nucleotide variant.
Coding change: c.6155C>G on transcript NM_000059.4 (MANE Select); coding-DNA position 6155, C replaced by G.
Protein change: p.Ser2052Ter; replaces serine 2052 with a stop codon.
Molecular consequence: nonsense.
Genome position (GRCh38, 1-based): chr13:32,340,510, C>G. VCF-style: chr13-32340510-C-G. GRCh37 (hg19) VCF-style: chr13-32914647-C-G.
Other names: 6383C>G (S2052X); short protein forms S2052*.
Identifiers: ClinVar variation 266928 (VCV000266928.43), dbSNP rs786202461, ClinGen allele CA10589358.

ClinVar aggregate classification (germline): Pathogenic. Review status: reviewed by expert panel (3 of 4 stars). 6 submissions from 6 submitters: Pathogenic (1). 5 of the submissions do not count toward it. Last evaluated 2016-10-18.

Conditions:
Breast-ovarian cancer, familial, susceptibility to, 2 (BROVCA2). Also called: BRCA2 Hereditary Breast and Ovarian Cancer. Identifiers: Orphanet 145, MedGen C2675520, MONDO:0012933, OMIM 612555. Disease mechanism: loss of function.
Hereditary breast ovarian cancer syndrome. Also called: BRCA1- and BRCA2-Associated Hereditary Breast and Ovarian Cancer; Hereditary breast and ovarian cancer; Hereditary breast and ovarian cancer syndrome (HBOC); Breast and ovarian cancer; Hereditary breast and/or ovarian cancer syndrome; Hereditary breast and ovarian cancer syndrome. Identifiers: Orphanet 145, MedGen C0677776, MeSH D061325, MONDO:0003582. Disease mechanism: loss of function.
Hereditary cancer-predisposing syndrome. Also called: Hereditary Cancer Syndrome; Tumor predisposition; Hereditary neoplastic syndrome; Neoplastic Syndromes, Hereditary. Identifiers: Orphanet 140162, MedGen C0027672, MeSH D009386, MONDO:0015356.

Allele frequency attached by ClinVar (database versions not stated): gnomAD exomes below 0.00001.
gnomAD v4.1: 1 of 1,613,584 alleles (0.000062%); highest among the groups gnomAD compares: Non-Finnish European, 0.000085%; no homozygotes.

Submissions (6):

Evidence-based Network for the Interpretation of Germline Mutant Alleles (ENIGMA)
Classification: Pathogenic for Breast-ovarian cancer, familial, susceptibility to, 2. Last evaluated: 2016-10-18. Review status: reviewed by expert panel. Criteria: ENIGMA BRCA1/2 Classification Criteria (2015). Collection method: curation. Allele origin: germline.
Comment: Variant allele predicted to encode a truncated non-functional protein.

Ambry Genetics
Classification: Pathogenic for Hereditary cancer-predisposing syndrome. Last evaluated: 2026-08-12. Review status: criteria provided, single submitter. Criteria: Ambry Variant Classification Scheme 2023. Collection method: clinical testing. Allele origin: germline. Not counted in ClinVar's aggregate classification.
Comment: The p.S2052* pathogenic mutation (also known as c.6155C>G), located in coding exon 10 of the BRCA2 gene, results from a C to G substitution at nucleotide position 6155. This changes the amino acid from a serine to a stop codon within coding exon 10. This variant is considered to be rare based on population cohorts in the Genome Aggregation Database (gnomAD). This alteration is expected to result in loss of function by premature protein truncation or nonsense-mediated mRNA decay. As such, this alteration is interpreted as a disease-causing mutation.

Labcorp Genetics (formerly Invitae), Labcorp
Classification: Pathogenic for Hereditary breast ovarian cancer syndrome. Last evaluated: 2025-08-29. Review status: criteria provided, single submitter. Criteria: Invitae Variant Classification Sherloc (09022015). Collection method: clinical testing. Allele origin: germline. Not counted in ClinVar's aggregate classification.
Comment: This sequence change creates a premature translational stop signal (p.Ser2052*) in the BRCA2 gene. It is expected to result in an absent or disrupted protein product. Loss-of-function variants in BRCA2 are known to be pathogenic (PMID: 20104584). This variant is not present in population databases (gnomAD no frequency). This premature translational stop signal has been observed in individual(s) with breast cancer (PMID: 32318955). ClinVar contains an entry for this variant (Variation ID: 266928). For these reasons, this variant has been classified as Pathogenic.

Genetics Program, Instituto Nacional de Cancer
Classification: Pathogenic for Hereditary breast ovarian cancer syndrome. Last evaluated: 2021-11-01. Review status: criteria provided, single submitter. Criteria: ACMG Guidelines, 2015. Collection method: research. Allele origin: germline. Affected: yes. Not counted in ClinVar's aggregate classification.

Quest Diagnostics Nichols Institute San Juan Capistrano
Classification: Pathogenic. Last evaluated: 2019-01-20. Review status: criteria provided, single submitter. Criteria: Quest Diagnostics criteria. Collection method: clinical testing. Allele origin: germline. Not counted in ClinVar's aggregate classification.
Comment: The variant creates a premature nonsense codon, and is therefore predicted to result in the loss of a functional protein. Found in at least one symptomatic patient, and not found in general population data.

Department of Pathology and Laboratory Medicine, Sinai Health System
Classification: Pathogenic. Review status: no assertion criteria provided. Collection method: clinical testing. Allele origin: unknown. Affected: yes. Study: The Canadian Open Genetics Repository (COGR). Not counted in ClinVar's aggregate classification.
Comment: The BRCA2 p.Ser2052X variant was identified in 1 of 4362 proband chromosomes (frequency: 0.0002) from British individuals or families with prostate cancer (Castro_2013_23569316). The variant was also identified in ClinVar (classified pathogenic, reviewed by an expert panel (2016); submitter ENIGMA) and Clinvitae (1x), but was not identified in dbSNP, GeneInsight-COGR, Cosmic, MutDB, LOVD 3.0, UMD-LSDB, BIC Database, ARUP Laboratories, Zhejiang Colon Cancer Database, the 1000 Genomes Project, the NHLBI GO Exome Sequencing Project, the Exome Aggregation Consortium (August 8th 2016), or the Genome Aggregation Database (Feb 27, 2017). The c.6155C>G variant leads to a premature stop codon at position 2052 which is predicted to lead to a truncated or absent protein and loss of function. Loss of function variants of the BRCA2 gene are an established mechanism of disease in hereditary breast and ovarian cancer and is the type of variant expected to cause the disorder. In summary, based on the above information this variant meets our laboratoryâ€šÃ„Ã´s criteria to be classified as pathogenic.

Literature cited by the submitters: PubMed 20104584 (cited by Labcorp Genetics (formerly Invitae), Labcorp); PubMed 32318955 (cited by Labcorp Genetics (formerly Invitae), Labcorp); PubMed 36329109 (cited by Genetics Program, Instituto Nacional de Cancer); PubMed 23569316 (cited by Quest Diagnostics Nichols Institute San Juan Capistrano).